The following is an entry in ClinVar:

ClinVar aggregate classification (germline): Uncertain significance. Review status: criteria provided, multiple submitters, no conflicts (2 of 4 stars). 4 submissions from 4 submitters: Uncertain significance (4). Last evaluated 2026-05-21.

Conditions:
MYH14-related disorder. Also called: MYH14-related condition.

Allele frequency attached by ClinVar (database versions not stated): gnomAD exomes 0.00005; gnomAD 0.00006 and 0.00007; 1000 Genomes Project 0.00020; 1000 Genomes Project 30x 0.00031; TOPMed 0.00003; ESP Exome Variant Server 0.00008.

Submissions (4):

PreventionGenetics, part of Exact Sciences
Classification: Uncertain significance for MYH14-related condition. Last evaluated: 2026-05-21. Review status: criteria provided, single submitter. Criteria: ACMG Guidelines, 2015. Collection method: clinical testing. Allele origin: germline.
Comment: The MYH14 c.1006C>T variant is predicted to result in the amino acid substitution p.Arg336Trp. To our knowledge, this variant has not been reported in the literature. This variant is reported in 0.0070% of alleles in individuals of European (Non-Finnish) descent in gnomAD. At this time, the clinical significance of this variant is uncertain due to the absence of conclusive functional and genetic evidence.

Labcorp Genetics (formerly Invitae), Labcorp
Classification: Uncertain significance. Last evaluated: 2025-12-09. Review status: criteria provided, single submitter. Criteria: Invitae Variant Classification Sherloc (09022015). Collection method: clinical testing. Allele origin: germline.
Comment: This sequence change replaces arginine, which is basic and polar, with tryptophan, which is neutral and slightly polar, at codon 328 of the MYH14 protein (p.Arg328Trp). This variant is present in population databases (rs371272700, gnomAD 0.008%). This variant has not been reported in the literature in individuals affected with MYH14-related conditions. ClinVar contains an entry for this variant (Variation ID: 286087). Invitae Evidence Modeling of protein sequence and biophysical properties (such as structural, functional, and spatial information, amino acid conservation, physicochemical variation, residue mobility, and thermodynamic stability) indicates that this missense variant is expected to disrupt MYH14 protein function with a positive predictive value of 80%. In summary, the available evidence is currently insufficient to determine the role of this variant in disease. Therefore, it has been classified as a Variant of Uncertain Significance.

Blueprint Genetics
Classification: Uncertain significance. Last evaluated: 2017-07-14. Review status: criteria provided, single submitter. Criteria: ACMG Guidelines, 2015. Collection method: clinical testing. Allele origin: germline.

Eurofins Ntd Llc (ga)
Classification: Uncertain significance. Last evaluated: 2016-02-11. Review status: criteria provided, single submitter. Criteria: EGL Classification Definitions 2015. Collection method: clinical testing. Allele origin: germline. Observed: 1 variant allele, 1 heterozygote.

NM_001145809.2(MYH14):c.1006C>T (p.Arg336Trp)

Gene: MYH14 (myosin heavy chain 14; plus strand). Cytogenetic location: 19q13.33.
Variant type: single nucleotide variant.
Coding change: c.1006C>T on transcript NM_001145809.2 (MANE Select); coding-DNA position 1006, C replaced by T.
Protein change: p.Arg336Trp; replaces arginine 336 with tryptophan.
Molecular consequence: missense variant.
Genome position (GRCh38, 1-based): chr19:50,231,962, C>T. VCF-style: chr19-50231962-C-T. GRCh37 (hg19) VCF-style: chr19-50735219-C-T.
Other names: c.1006C>T, p.Arg336Trp (NM_001077186.2); c.982C>T, p.Arg328Trp (NM_024729.4); c.1006C>T (NM_001145809.1); short protein forms R328W, R336W.
Identifiers: ClinVar variation 286087 (VCV000286087.12), dbSNP rs371272700, ClinGen allele CA9592475.